The following is an entry in ClinVar:

NM_000051.4(ATM):c.8275C>T (p.Pro2759Ser)

Genes: ATM (ATM serine/threonine kinase; plus strand), C11orf65 (chromosome 11 open reading frame 65; minus strand). Cytogenetic location: 11q22.3.
Variant type: single nucleotide variant.
Coding change: c.8275C>T on transcript NM_000051.4 (MANE Select); coding-DNA position 8275, C replaced by T.
Protein change: p.Pro2759Ser; replaces proline 2759 with serine.
Molecular consequence: missense variant. On other transcripts: intron variant (2).
Genome position (GRCh38, 1-based): chr11:108,343,228, C>T. VCF-style: chr11-108343228-C-T. GRCh37 (hg19) VCF-style: chr11-108213955-C-T.
Other names: c.8275C>T, p.Pro2759Ser (NM_001351834.2); c.641-34157G>A (NM_001330368.2); c.695-7936G>A (NM_001351110.2); short protein forms P2759S.
Identifiers: ClinVar variation 453726 (VCV000453726.26), dbSNP rs764906663, ClinGen allele CA6266340.

ClinVar aggregate classification (germline): Uncertain significance. Review status: criteria provided, multiple submitters, no conflicts (2 of 4 stars). 5 submissions from 5 submitters: Uncertain significance (4). 1 of the submissions does not count toward it. Last evaluated 2025-09-30.

Conditions:
Hereditary cancer-predisposing syndrome. Also called: Neoplastic Syndromes, Hereditary; Hereditary Cancer Syndrome; Tumor predisposition; Hereditary neoplastic syndrome. Identifiers: Orphanet 140162, MedGen C0027672, MeSH D009386, MONDO:0015356.
Ataxia-telangiectasia syndrome (AT). Also called: LOUIS-BAR SYNDROME; Cerebello-oculocutaneous telangiectasia; Immunodeficiency with ataxia telangiectasia; Ataxia-telangiectasia, complementation group D; AT, COMPLEMENTATION GROUP C; Ataxia-telangiectasia, complementation group E. Identifiers: Orphanet 100, MedGen C0004135, MONDO:0008840, OMIM 208900.

Allele frequency attached by ClinVar (database versions not stated): gnomAD 0.00001; TOPMed below 0.00001.
gnomAD v4.1: 3 of 1,613,776 alleles (0.00019%); highest among the groups gnomAD compares: Admixed American, 0.0017%; no homozygotes.

Submissions (5):

Ambry Genetics
Classification: Uncertain significance for Hereditary cancer-predisposing syndrome. Last evaluated: 2025-09-30. Review status: criteria provided, single submitter. Criteria: Ambry Variant Classification Scheme 2023. Collection method: clinical testing. Allele origin: germline.
Comment: The p.P2759S variant (also known as c.8275C>T), located in coding exon 56 of the ATM gene, results from a C to T substitution at nucleotide position 8275. The proline at codon 2759 is replaced by serine, an amino acid with similar properties. This amino acid position is highly conserved in available vertebrate species. In addition, this alteration is predicted to be deleterious by in silico analysis. Since supporting evidence is limited at this time, the clinical significance of this alteration remains unclear.

Labcorp Genetics (formerly Invitae), Labcorp
Classification: Uncertain significance for Ataxia-telangiectasia syndrome. Last evaluated: 2025-01-30. Review status: criteria provided, single submitter. Criteria: Invitae Variant Classification Sherloc (09022015). Collection method: clinical testing. Allele origin: germline.
Comment: This sequence change replaces proline, which is neutral and non-polar, with serine, which is neutral and polar, at codon 2759 of the ATM protein (p.Pro2759Ser). This variant is present in population databases (rs764906663, gnomAD 0.003%). This variant has not been reported in the literature in individuals affected with ATM-related conditions. ClinVar contains an entry for this variant (Variation ID: 453726). Invitae Evidence Modeling of protein sequence and biophysical properties (such as structural, functional, and spatial information, amino acid conservation, physicochemical variation, residue mobility, and thermodynamic stability) indicates that this missense variant is expected to disrupt ATM protein function with a positive predictive value of 95%. In summary, the available evidence is currently insufficient to determine the role of this variant in disease. Therefore, it has been classified as a Variant of Uncertain Significance.

Color Diagnostics, LLC DBA Color Health
Classification: Uncertain significance for Hereditary cancer-predisposing syndrome. Last evaluated: 2019-06-04. Review status: criteria provided, single submitter. Criteria: ACMG Guidelines, 2015. Collection method: clinical testing. Allele origin: germline.

Mendelics
Classification: Uncertain significance for Ataxia-telangiectasia syndrome. Last evaluated: 2018-07-02. Review status: criteria provided, single submitter. Criteria: Mendelics Assertion Criteria 2017. Collection method: clinical testing. Allele origin: unknown.

Natera, Inc.
Classification: Uncertain significance for Ataxia-telangiectasia. Last evaluated: 2021-06-10. Review status: no assertion criteria provided. Collection method: clinical testing. Allele origin: germline. Not counted in ClinVar's aggregate classification.